The following is an entry in ClinVar:

ClinVar aggregate classification (germline): Likely pathogenic (1 of 4 stars; one submission).

Conditions:
Jeune thoracic dystrophy. Also called: Short-rib thoracic dysplasia; Jeune syndrome; Infantile thoracic dystrophy; Thoracic pelvic phalangeal dystrophy; Jeune's syndrome; Chondroectodermal dysplasia-like syndrome. Identifiers: Orphanet 474, MedGen C0265275, MONDO:0018770.

Allele frequency attached by ClinVar (database versions not stated): gnomAD exomes below 0.00001.
gnomAD v4.1: 2 of 1,608,314 alleles (0.00012%); highest among the groups gnomAD compares: Non-Finnish European, 0.00017%; no homozygotes.

Submission:

Labcorp Genetics (formerly Invitae), Labcorp
Classification: Likely pathogenic for Jeune thoracic dystrophy. Last evaluated: 2023-02-15. Review status: criteria provided, single submitter. Criteria: Invitae Variant Classification Sherloc (09022015). Collection method: clinical testing. Allele origin: germline.
Comment: This sequence change affects a donor splice site in intron 41 of the DYNC2H1 gene. It is expected to disrupt RNA splicing. Variants that disrupt the donor or acceptor splice site typically lead to a loss of protein function (PMID: 16199547), and loss-of-function variants in DYNC2H1 are known to be pathogenic (PMID: 23339108, 32753734). This variant is not present in population databases (gnomAD no frequency). This variant has not been reported in the literature in individuals affected with DYNC2H1-related conditions. Algorithms developed to predict the effect of sequence changes on RNA splicing suggest that this variant may disrupt the consensus splice site. In summary, the currently available evidence indicates that the variant is pathogenic, but additional data are needed to prove that conclusively. Therefore, this variant has been classified as Likely Pathogenic.

Literature cited by the submitters: PubMed 16199547; PubMed 23339108; PubMed 32753734.

NM_001377.3(DYNC2H1):c.6633+1G>A

Gene: DYNC2H1 (dynein cytoplasmic 2 heavy chain 1; plus strand). Cytogenetic location: 11q22.3.
Variant type: single nucleotide variant.
Coding change: c.6633+1G>A on transcript NM_001377.3 (MANE Select); the canonical splice donor site of the intron after coding-DNA position 6633, G replaced by A.
Molecular consequence: splice donor variant.
Genome position (GRCh38, 1-based): chr11:103,185,052, G>A. VCF-style: chr11-103185052-G-A. GRCh37 (hg19) VCF-style: chr11-103055781-G-A.
Other names: c.6633+1G>A (NM_001080463.2).
Identifiers: ClinVar variation 2726998 (VCV002726998.3), dbSNP rs1862012580, ClinGen allele CA382249270.